The following is an entry in ClinVar:

ClinVar aggregate classification (germline): Uncertain significance (1 of 4 stars; one submission).

Submission:

Labcorp Genetics (formerly Invitae), Labcorp
Classification: Uncertain significance. Last evaluated: 2022-08-19. Review status: criteria provided, single submitter. Criteria: Invitae Variant Classification Sherloc (09022015). Collection method: clinical testing. Allele origin: germline.
Comment: Experimental studies and prediction algorithms are not available or were not evaluated, and the functional significance of this variant is currently unknown. In summary, the available evidence is currently insufficient to determine the role of this variant in disease. Therefore, it has been classified as a Variant of Uncertain Significance. This variant has not been reported in the literature in individuals affected with TLR7-related conditions. This variant, c.661_663del, results in the deletion of 1 amino acid(s) of the TLR7 protein (p.Thr221del), but otherwise preserves the integrity of the reading frame. This variant is present in population databases (rs763331359, gnomAD 0.003%).

NM_016562.4(TLR7):c.661_663del (p.Thr221del)

Gene: TLR7 (toll like receptor 7; plus strand). Cytogenetic location: Xp22.2.
Variant type: Deletion.
Coding change: c.661_663del on transcript NM_016562.4 (MANE Select); coding-DNA positions 661 to 663, 3 bases deleted (ACT; older notation c.661_663delACT).
Protein change: p.Thr221del; deletes threonine 221.
Molecular consequence: inframe deletion.
Genome position (GRCh38, 1-based): chrX:12,886,169-12,886,171, ACT deleted; deleting any 3 consecutive bases within chrX:12,886,167-12,886,171 gives the same sequence; the c. name uses the placement nearest the transcript's 3' end. VCF-style (leftmost placement, unchanged base first): chrX-12886166-CCTA-C. GRCh37 (hg19) VCF-style: chrX-12904285-CCTA-C.
Other names: short protein forms T221del.
Identifiers: ClinVar variation 2122191 (VCV002122191.4), dbSNP rs763331359, ClinGen allele CA10349950.